The following is an entry in ClinVar:

NM_001323289.2(CDKL5):c.1795dup (p.Thr599fs)

Gene: CDKL5 (cyclin dependent kinase like 5; plus strand). Cytogenetic location: Xp22.13.
Variant type: Duplication.
Coding change: c.1795dup on transcript NM_001323289.2 (MANE Select); coding-DNA position 1795, one base duplicated (A; older notation c.1795dupA).
Protein change: p.Thr599fs; shifts the reading frame from threonine 599.
Molecular consequence: frameshift variant.
Genome position (GRCh38, 1-based): chrX:18,604,719, A duplicated. VCF-style (leftmost placement, unchanged base first): chrX-18604718-C-CA. GRCh37 (hg19) VCF-style: chrX-18622838-C-CA.
Other names: c.1795dup, p.Thr599fs (NM_001037343.2, NM_003159.3); c.1795_1796insA (NM_003159.2); short protein forms T599fs.
Identifiers: ClinVar variation 156644 (VCV000156644.1), dbSNP rs587783116, ClinGen allele CA294682.
Genomic context (GRCh38, chrX:18,604,718, plus strand): 5'-CAGTAGCCATTCCCATTCACTGTCTGCACCTCACGAATCTTTTTCTTATGGACTGGGCTA[C>CA]ACCAGCCCCTTTTCTTCCCAGCAACGTCCTCATAGGCATTCTATGTATGTGACCCGTGAC-3'

ClinVar aggregate classification (germline): Pathogenic (1 of 4 stars; one submission).

Submission:

GeneDx
Classification: Pathogenic. Last evaluated: 2012-12-19. Review status: criteria provided, single submitter. Criteria: GeneDx Variant Classification (06012015). Collection method: clinical testing. Allele origin: germline. Affected: yes.
Comment: The c.1795_1796insA (aka c.1795dupA) mutation in the CDKL5 gene causes a frameshift starting with codon Threonine 599, changes this amino acid to an Asparagine residue and creates a premature Stop codon at position 12 of the new reading frame, denoted p.Thr599AsnfsX12. This mutation is predicted to cause loss of normal protein function either through protein truncation or nonsense-mediated mRNA decay. Although this mutation has not been previously reported to our knowledge, other frameshift mutations in CDKL5 have been reported in patients with epilepsy. The variant is found in INFANT-EPI panel(s).